The following is an entry in ClinVar:

NM_001256545.2(MEGF10):c.*1028G>A

Gene: MEGF10 (multiple EGF like domains 10; plus strand). Cytogenetic location: 5q23.2.
Variant type: single nucleotide variant.
Coding change: c.*1028G>A on transcript NM_001256545.2 (MANE Select); 1028 bases downstream of the stop codon, G replaced by A.
Molecular consequence: 3 prime UTR variant.
Genome position (GRCh38, 1-based): chr5:127,458,346, G>A. VCF-style: chr5-127458346-G-A. GRCh37 (hg19) VCF-style: chr5-126794038-G-A.
Other names: c.*1028G>A (NM_032446.3).
Identifiers: ClinVar variation 904276 (VCV000904276.28), dbSNP rs186303123, ClinGen allele CA126955004.
Genomic context (GRCh38, chr5:127,458,346, plus strand): 5'-AACATTTTGATTAATCTTTCCCTAGAAGTGACTGAAATATTTTTGTGCATATTTGAGAAA[G>A]GGAACTTTCCTTTTATTAATTGTCAATTTAGAGAAACTATGCTTAAGCTGGTCTTTTGCA-3'

ClinVar aggregate classification (germline): Conflicting classifications of pathogenicity. Review status: criteria provided, conflicting classifications (1 of 4 stars). 2 submissions from 2 submitters: Uncertain significance (1); Likely benign (1). Last evaluated 2023-03-01.

Conditions:
MEGF10-related myopathy (CMYO10A). Also called: Congenital myopathy 10A, severe variant. Identifiers: Orphanet 439212, MedGen C3280679, MONDO:0013731, OMIM 614399.

Allele frequency attached by ClinVar (database versions not stated): 1000 Genomes Project 30x 0.00156; 1000 Genomes Project 0.00180; TOPMed 0.00311; gnomAD 0.00467 and 0.00488.

Submissions (2):

CeGaT Center for Human Genetics Tuebingen
Classification: Likely benign. Last evaluated: 2023-03-01. Review status: criteria provided, single submitter. Criteria: CeGaT Center For Human Genetics Tuebingen Variant Classification Criteria Version 2. Collection method: clinical testing. Allele origin: germline. Affected: yes. Observed: 5 variant alleles.
Comment: MEGF10: BS2

Illumina Laboratory Services, Illumina
Classification: Uncertain significance for MEGF10-related myopathy. Last evaluated: 2018-01-13. Review status: criteria provided, single submitter. Criteria: ICSL Variant Classification Criteria 13 December 2019. Collection method: clinical testing. Allele origin: germline.